The following is an entry in ClinVar:

ClinVar aggregate classification (germline): Uncertain significance. Review status: criteria provided, multiple submitters, no conflicts (2 of 4 stars). 2 submissions from 2 submitters: Uncertain significance (2). Last evaluated 2025-08-18.

Conditions:
Kleefstra syndrome 1 (KLEFS1). Identifiers: Orphanet 261494, MedGen C0795833, MONDO:0027407, OMIM 610253.

Submissions (2):

Labcorp Genetics (formerly Invitae), Labcorp
Classification: Uncertain significance for Kleefstra syndrome 1. Last evaluated: 2025-08-18. Review status: criteria provided, single submitter. Criteria: Invitae Variant Classification Sherloc (09022015). Collection method: clinical testing. Allele origin: germline.
Comment: This variant, c.3842_3850del, results in the deletion of 3 amino acid(s) of the EHMT1 protein (p.Ala1281_Glu1283del), but otherwise preserves the integrity of the reading frame. This variant is present in population databases (rs751283937, gnomAD 0.007%). This variant has not been reported in the literature in individuals affected with EHMT1-related conditions. ClinVar contains an entry for this variant (Variation ID: 1306518). Experimental studies and prediction algorithms are not available or were not evaluated, and the functional significance of this variant is currently unknown. In summary, the available evidence is currently insufficient to determine the role of this variant in disease. Therefore, it has been classified as a Variant of Uncertain Significance.

GeneDx
Classification: Uncertain significance. Last evaluated: 2021-07-21. Review status: criteria provided, single submitter. Criteria: GeneDx Variant Classification Process June 2021. Collection method: clinical testing. Allele origin: germline. Affected: yes.
Comment: In-frame deletion of 3 amino acids in a non-repeat region; In silico analysis, which includes protein predictors and evolutionary conservation, supports a deleterious effect; Has not been previously published as pathogenic or benign to our knowledge; This variant is associated with the following publications: (PMID: 27535533)

NM_024757.5(EHMT1):c.3833CCCAGGAGG[1] (p.1278AQE[1])

Gene: EHMT1 (euchromatic histone lysine methyltransferase 1; plus strand). Cytogenetic location: 9q34.3.
Variant type: Microsatellite.
Coding change: c.3833CCCAGGAGG[1] on transcript NM_024757.5 (MANE Select); one copy of the 9-base unit CCCAGGAGG starting at c.3833; the reference has two copies in a row; one copy, 9 bases deleted.
Protein change: p.1278AQE[1].
Molecular consequence: inframe deletion.
Genome position (GRCh38, 1-based): chr9:137,834,898-137,834,906, CCCAGGAGG deleted; deleting any 9 consecutive bases within chr9:137,834,887-137,834,906 gives the same sequence; the position shown is the placement nearest the transcript's 3' end. VCF-style (leftmost placement, unchanged base first): chr9-137834886-CGGCCCAGGA-C. GRCh37 (hg19) VCF-style: chr9-140729338-CGGCCCAGGA-C.
Other names: c.3812CCCAGGAGG[1], p.1271AQE[1] (NM_001354263.2).
Identifiers: ClinVar variation 1306518 (VCV001306518.6), dbSNP rs751283937, ClinGen allele CA5375488.